The following is an entry in ClinVar:

ClinVar aggregate classification (germline): Uncertain significance (1 of 4 stars; one submission).

gnomAD v4.1: 2 of 1,612,834 alleles (0.00012%); highest among the groups gnomAD compares: Non-Finnish European, 0.000085%; no homozygotes.

Submission:

GeneDx
Classification: Uncertain significance. Last evaluated: 2025-12-30. Review status: criteria provided, single submitter. Criteria: GeneDx Variant Classification Process June 2021. Collection method: clinical testing. Allele origin: germline. Affected: yes.
Comment: In silico analysis supports that this missense variant has a deleterious effect on protein structure/function; Has not been previously published as pathogenic or benign to our knowledge

NM_020435.4(GJC2):c.750C>G (p.Cys250Trp)

Gene: GJC2 (gap junction protein gamma 2; plus strand). Cytogenetic location: 1q42.13.
Variant type: single nucleotide variant.
Coding change: c.750C>G on transcript NM_020435.4 (MANE Select); coding-DNA position 750, C replaced by G.
Protein change: p.Cys250Trp; replaces cysteine 250 with tryptophan.
Molecular consequence: missense variant.
Genome position (GRCh38, 1-based): chr1:228,158,508, C>G. VCF-style: chr1-228158508-C-G. GRCh37 (hg19) VCF-style: chr1-228346209-C-G.
Other names: short protein forms C250W.
Identifiers: ClinVar variation 3371531 (VCV003371531.2).